The following is an entry in ClinVar:

ClinVar aggregate classification (germline): Uncertain significance (1 of 4 stars; one submission).

Conditions:
Hereditary cancer-predisposing syndrome. Also called: Tumor predisposition; Neoplastic Syndromes, Hereditary; Hereditary neoplastic syndrome; Hereditary Cancer Syndrome. Identifiers: Orphanet 140162, MedGen C0027672, MeSH D009386, MONDO:0015356.

Submission:

Ambry Genetics
Classification: Uncertain significance for Hereditary cancer-predisposing syndrome. Last evaluated: 2025-08-27. Review status: criteria provided, single submitter. Criteria: Ambry Variant Classification Scheme 2023. Collection method: clinical testing. Allele origin: germline.
Comment: The p.Q527H variant (also known as c.1581A>T), located in coding exon 16 of the MUTYH gene, results from an A to T substitution at nucleotide position 1581. The glutamine at codon 527 is replaced by histidine, an amino acid with highly similar properties. This amino acid position is conserved. In addition, the in silico prediction for this alteration is inconclusive. Based on the available evidence, the clinical significance of this variant remains unclear.

NM_001048174.2(MUTYH):c.1497A>T (p.Gln499His)

Gene: MUTYH (mutY DNA glycosylase; minus strand). Cytogenetic location: 1p34.1.
Variant type: single nucleotide variant.
Coding change: c.1497A>T on transcript NM_001048174.2 (MANE Select); coding-DNA position 1497, A replaced by T.
Protein change: p.Gln499His; replaces glutamine 499 with histidine.
Molecular consequence: missense variant. On other transcripts: non-coding transcript variant (7).
Genome position (GRCh38, 1-based): chr1:45,329,375, T>A on the plus strand (A>T on the coding strand, the complement: MUTYH is on the minus strand). VCF-style: chr1-45329375-T-A. GRCh37 (hg19) VCF-style: chr1-45795047-T-A.
Other names: c.1539A>T, p.Gln513His (NM_001407085.1, NM_001407083.1); c.1500A>T, p.Gln500His (NM_001407086.1, NM_001048172.2, NM_001407071.1 and 1 more transcripts); c.1518A>T, p.Gln506His (NM_001407087.1); c.1497A>T, p.Gln499His (NM_001407088.1, NM_001407089.1, NM_001048171.2 and 6 more transcripts); c.1221A>T, p.Gln407His (NM_001407091.1, NM_001293192.2, NM_001293196.2); c.1572A>T, p.Gln524His (NM_012222.3); c.1581A>T, p.Gln527His (NM_001128425.2); c.1542A>T, p.Gln514His (NM_001293190.2); and 5 more; short protein forms Q486H, Q506H, Q510H, Q513H, Q499H, Q514H, Q471H, Q524H.
Identifiers: ClinVar variation 4113394 (VCV004113394.1).